The following is an entry in ClinVar:

NM_000312.4(PROC):c.713G>C (p.Cys238Ser)

Gene: PROC (protein C, inactivator of coagulation factors Va and VIIIa; plus strand). Cytogenetic location: 2q14.3.
Variant type: single nucleotide variant.
Coding change: c.713G>C on transcript NM_000312.4 (MANE Select); coding-DNA position 713, G replaced by C.
Protein change: p.Cys238Ser; replaces cysteine 238 with serine.
Molecular consequence: missense variant.
Genome position (GRCh38, 1-based): chr2:127,427,139, G>C. VCF-style: chr2-127427139-G-C. GRCh37 (hg19) VCF-style: chr2-128184715-G-C.
Other names: c.896G>C, p.Cys299Ser (NM_001375602.1); c.878G>C, p.Cys293Ser (NM_001375603.1); c.776G>C, p.Cys259Ser (NM_001375604.1); c.815G>C, p.Cys272Ser (NM_001375605.1); c.881G>C, p.Cys294Ser (NM_001375606.1); c.899G>C, p.Cys300Ser (NM_001375607.1); c.656G>C, p.Cys219Ser (NM_001375608.1); c.689G>C, p.Cys230Ser (NM_001375609.1); and 2 more; short protein forms C219S, C230S, C236S, C238S, C259S, C272S, C293S, C294S.
Identifiers: ClinVar variation 1303186 (VCV001303186.3), dbSNP rs748099849, ClinGen allele CA1859428.

ClinVar aggregate classification (germline): Conflicting classifications of pathogenicity. Review status: criteria provided, conflicting classifications (1 of 4 stars). 2 submissions from 2 submitters: Likely pathogenic (1); Uncertain significance (1). Last evaluated 2025-12-16.

Conditions:
PROC-related disorder. Also called: PROC-related condition.

Allele frequency attached by ClinVar (database versions not stated): gnomAD exomes below 0.00001 and 0.00001; ExAC 0.00001.
gnomAD v4.1: 3 of 1,613,920 alleles (0.00019%); highest among the groups gnomAD compares: South Asian, 0.0011%; no homozygotes.

Submissions (2):

PreventionGenetics, part of Exact Sciences
Classification: Likely pathogenic for PROC-related condition. Last evaluated: 2025-12-16. Review status: criteria provided, single submitter. Criteria: ACMG Guidelines, 2015. Collection method: clinical testing. Allele origin: germline.
Comment: The PROC c.713G>C variant is predicted to result in the amino acid substitution p.Cys238Ser. This variant was reported in an individual with type I protein C deficiency (Rovida et al. 2007. PubMed ID: 17152060). Alternate changes at this amino acid (p.Cys238Tyr, p.Cys238Gly) have also been reported in individuals with protein C deficiency (reported as Cys196Tyr, Ireland et al. 1996. PubMed ID: 8972002; reported as C196G, Sirachainan et al. 2010. PubMed ID: 19922983). This variant is reported in 0.0033% of alleles in individuals of South Asian descent in gnomAD. This variant is interpreted as likely pathogenic.

GeneDx
Classification: Uncertain significance. Last evaluated: 2020-10-02. Review status: criteria provided, single submitter. Criteria: GeneDx Variant Classification Process June 2021. Collection method: clinical testing. Allele origin: germline. Affected: yes.
Comment: Not observed at a significant frequency in large population cohorts (Lek et al., 2016); In silico analysis supports that this missense variant has a deleterious effect on protein structure/function; Identified in one individual with protein C deficiency and history of a thrombotic event, but no other information was available (Rovida et al., 2007); This variant is associated with the following publications: (PMID: 17152060)